The following is an entry in ClinVar:

NM_053025.4(MYLK):c.3127C>G (p.Pro1043Ala)

Gene: MYLK (myosin light chain kinase; minus strand). Cytogenetic location: 3q21.1.
Variant type: single nucleotide variant.
Coding change: c.3127C>G on transcript NM_053025.4 (MANE Select); coding-DNA position 3127, C replaced by G.
Protein change: p.Pro1043Ala; replaces proline 1043 with alanine.
Molecular consequence: missense variant.
Genome position (GRCh38, 1-based): chr3:123,700,341, G>C on the plus strand (C>G on the coding strand, the complement: MYLK is on the minus strand). VCF-style: chr3-123700341-G-C. GRCh37 (hg19) VCF-style: chr3-123419188-G-C.
Other names: c.2599C>G, p.Pro867Ala (NM_001321309.2); c.2920C>G, p.Pro974Ala (NM_053026.4, NM_053028.4); c.3127C>G, p.Pro1043Ala (NM_053027.4); short protein forms P1043A, P974A, P867A.
Identifiers: ClinVar variation 241757 (VCV000241757.13), dbSNP rs777200220, ClinGen allele CA069381.

ClinVar aggregate classification (germline): Uncertain significance. Review status: criteria provided, multiple submitters, no conflicts (2 of 4 stars). 5 submissions from 5 submitters: Uncertain significance (5). Last evaluated 2026-01-27.

Conditions:
Aortic aneurysm, familial thoracic 7 (AAT7). Also called: AORTIC DISSECTION, FAMILIAL, WITH OR WITHOUT AORTIC ANEURYSM. Identifiers: MedGen C3151077, MONDO:0013418, OMIM 613780.
Megacystis-microcolon-intestinal hypoperistalsis syndrome 1. Identifiers: MedGen C5542316, MONDO:0100354, OMIM 249210.
Familial thoracic aortic aneurysm and aortic dissection (TAAD). Also called: Thoracic aortic aneurysms and dissections. Identifiers: Orphanet 91387, MedGen C4707243, MONDO:0019625.

Allele frequency attached by ClinVar (database versions not stated): ExAC 0.00002; gnomAD 0.00002; gnomAD exomes 0.00002; TOPMed 0.00002.
gnomAD v4.1: 26 of 1,613,456 alleles (0.0016%); highest among the groups gnomAD compares: Non-Finnish European, 0.0022%; no homozygotes.

Submissions (5):

Labcorp Genetics (formerly Invitae), Labcorp
Classification: Uncertain significance for Aortic aneurysm, familial thoracic 7. Last evaluated: 2026-01-27. Review status: criteria provided, single submitter. Criteria: Invitae Variant Classification Sherloc (09022015). Collection method: clinical testing. Allele origin: germline.
Comment: This sequence change replaces proline, which is neutral and non-polar, with alanine, which is neutral and non-polar, at codon 1043 of the MYLK protein (p.Pro1043Ala). This variant is present in population databases (rs777200220, gnomAD 0.004%). This variant has not been reported in the literature in individuals affected with MYLK-related conditions. ClinVar contains an entry for this variant (Variation ID: 241757). Invitae Evidence Modeling of protein sequence and biophysical properties (such as structural, functional, and spatial information, amino acid conservation, physicochemical variation, residue mobility, and thermodynamic stability) indicates that this missense variant is not expected to disrupt MYLK protein function with a negative predictive value of 80%. In summary, the available evidence is currently insufficient to determine the role of this variant in disease. Therefore, it has been classified as a Variant of Uncertain Significance.

Ambry Genetics
Classification: Uncertain significance for Familial thoracic aortic aneurysm and aortic dissection. Last evaluated: 2024-03-11. Review status: criteria provided, single submitter. Criteria: Ambry Variant Classification Scheme 2023. Collection method: clinical testing. Allele origin: germline.
Comment: The p.P1043A variant (also known as c.3127C>G), located in coding exon 15 of the MYLK gene, results from a C to G substitution at nucleotide position 3127. The proline at codon 1043 is replaced by alanine, an amino acid with highly similar properties. This amino acid position is well conserved in available vertebrate species. In addition, this alteration is predicted to be tolerated by in silico analysis. Since supporting evidence is limited at this time, the clinical significance of this alteration remains unclear.

GeneDx
Classification: Uncertain significance. Last evaluated: 2023-04-18. Review status: criteria provided, single submitter. Criteria: GeneDx Variant Classification Process June 2021. Collection method: clinical testing. Allele origin: germline. Affected: yes.
Comment: Has not been previously published as pathogenic or benign to our knowledge; Not observed at significant frequency in large population cohorts (gnomAD); In silico analysis supports that this missense variant does not alter protein structure/function

Fulgent Genetics
Classification: Uncertain significance for Megacystis-microcolon-intestinal hypoperistalsis syndrome 1; Aortic aneurysm, familial thoracic 7. Last evaluated: 2022-05-09. Review status: criteria provided, single submitter. Criteria: ACMG Guidelines, 2015. Collection method: clinical testing. Allele origin: unknown.

Revvity Omics, Revvity
Classification: Uncertain significance. Last evaluated: 2020-12-04. Review status: criteria provided, single submitter. Criteria: ACMG Guidelines, 2015. Collection method: clinical testing. Allele origin: germline.